The following is an entry in ClinVar:

NM_015015.3(KDM4B):c.1116-443C>T

Gene: KDM4B (lysine demethylase 4B; plus strand). Cytogenetic location: 19p13.3.
Variant type: single nucleotide variant.
Coding change: c.1116-443C>T on transcript NM_015015.3 (MANE Select); 443 bases into the intron before coding-DNA position 1116, C replaced by T.
Molecular consequence: intron variant. On other transcripts: missense variant (1).
Genome position (GRCh38, 1-based): chr19:5,119,210, C>T. VCF-style: chr19-5119210-C-T. GRCh37 (hg19) VCF-style: chr19-5119221-C-T.
Other names: c.1208C>T, p.Pro403Leu (NM_001411148.1); short protein forms P403L.
Identifiers: ClinVar variation 5038941 (VCV005038941.1).

ClinVar aggregate classification (germline): Likely benign (1 of 4 stars; one submission).

gnomAD v4.1: 53 of 1,531,824 alleles (0.0035%); highest among the groups gnomAD compares: Middle Eastern, 0.017%; no homozygotes.

Submission:

CeGaT Center for Human Genetics Tuebingen
Classification: Likely benign. Last evaluated: 2026-08-01. Review status: criteria provided, single submitter. Criteria: CeGaT Center For Human Genetics Tuebingen Variant Classification Criteria Version 2. Collection method: clinical testing. Allele origin: germline. Affected: yes. Observed: 1 variant allele.
Comment: KDM4B: BP4